The following is an entry in ClinVar:

NM_000071.3(CBS):c.531+1G>T

Gene: CBS (cystathionine beta-synthase; minus strand). Cytogenetic location: 21q22.3.
Variant type: single nucleotide variant.
Coding change: c.531+1G>T on transcript NM_000071.3 (MANE Select); the canonical splice donor site of the intron after coding-DNA position 531, G replaced by T.
Molecular consequence: splice donor variant.
Genome position (GRCh38, 1-based): chr21:43,065,615, C>A on the plus strand (G>T on the coding strand, the complement: CBS is on the minus strand). VCF-style: chr21-43065615-C-A. GRCh37 (hg19) VCF-style: chr21-44485725-C-A.
Other names: c.531+1G>T (NM_001320298.2, NM_001178009.3, NM_001178008.3); c.216+1G>T (NM_001321072.1).
Identifiers: ClinVar variation 1475148 (VCV001475148.6), dbSNP rs1207298097, ClinGen allele CA410601257.

ClinVar aggregate classification (germline): Likely pathogenic (1 of 4 stars; one submission).

Conditions:
HYPERHOMOCYSTEINEMIA, THROMBOTIC, CBS-RELATED. Identifiers: MedGen C3150344, OMIM 236200.

Submission:

Labcorp Genetics (formerly Invitae), Labcorp
Classification: Likely pathogenic for HYPERHOMOCYSTEINEMIA, THROMBOTIC, CBS-RELATED. Last evaluated: 2022-06-13. Review status: criteria provided, single submitter. Criteria: Invitae Variant Classification Sherloc (09022015). Collection method: clinical testing. Allele origin: germline.
Comment: In summary, the currently available evidence indicates that the variant is pathogenic, but additional data are needed to prove that conclusively. Therefore, this variant has been classified as Likely Pathogenic. Algorithms developed to predict the effect of sequence changes on RNA splicing suggest that this variant may disrupt the consensus splice site. This variant has not been reported in the literature in individuals affected with CBS-related conditions. This variant is not present in population databases (gnomAD no frequency). This sequence change affects a donor splice site in intron 6 of the CBS gene. It is expected to disrupt RNA splicing. Variants that disrupt the donor or acceptor splice site typically lead to a loss of protein function (PMID: 16199547), and loss-of-function variants in CBS are known to be pathogenic (PMID: 10338090, 12124992).

Literature cited by the submitters: PubMed 16199547; PubMed 10338090; PubMed 12124992.